The following is an entry in ClinVar:

ClinVar aggregate classification (germline): Conflicting classifications of pathogenicity. Review status: criteria provided, conflicting classifications (1 of 4 stars). 4 submissions from 4 submitters: Likely pathogenic (1); Uncertain significance (3). Last evaluated 2025-04-01.

Conditions:
Cardiovascular phenotype. Identifiers: MedGen CN230736.
Neurodevelopmental delay. Identifiers: MedGen C4022738, HP:0012758.

Allele frequency attached by ClinVar (database versions not stated): gnomAD 0.00001; gnomAD exomes 0.00001; TOPMed 0.00002.
gnomAD v4.1: 21 of 1,614,062 alleles (0.0013%); highest among the groups gnomAD compares: Non-Finnish European, 0.0017%; no homozygotes.

Submissions (4):

CeGaT Center for Human Genetics Tuebingen
Classification: Uncertain significance. Last evaluated: 2025-04-01. Review status: criteria provided, single submitter. Criteria: CeGaT Center For Human Genetics Tuebingen Variant Classification Criteria Version 2. Collection method: clinical testing. Allele origin: germline. Affected: yes. Observed: 1 variant allele.

Ambry Genetics
Classification: Uncertain significance for Cardiovascular phenotype. Last evaluated: 2023-09-28. Review status: criteria provided, single submitter. Criteria: Ambry Variant Classification Scheme 2023. Collection method: clinical testing. Allele origin: germline.
Comment: The p.R549C variant (also known as c.1645C>T), located in coding exon 6 of the KCND3 gene, results from a C to T substitution at nucleotide position 1645. The arginine at codon 549 is replaced by cysteine, an amino acid with highly dissimilar properties. This amino acid position is highly conserved in available vertebrate species. In addition, the in silico prediction for this alteration is inconclusive. Since supporting evidence is limited at this time, the clinical significance of this alteration remains unclear.

Duke University Health System Sequencing Clinic, Duke University Health System
Classification: Likely pathogenic for Neurodevelopmental delay. Last evaluated: 2023-04-20. Review status: criteria provided, single submitter. Criteria: ACMG Guidelines, 2015. Collection method: research. Allele origin: de novo. Affected: yes.

GeneDx
Classification: Uncertain significance. Last evaluated: 2022-07-13. Review status: criteria provided, single submitter. Criteria: GeneDx Variant Classification Process June 2021. Collection method: clinical testing. Allele origin: germline. Affected: yes.
Comment: Not observed at significant frequency in large population cohorts (gnomAD); In silico analysis supports that this missense variant has a deleterious effect on protein structure/function; Has not been previously published as pathogenic or benign to our knowledge

NM_001378969.1(KCND3):c.1645C>T (p.Arg549Cys)

Gene: KCND3 (potassium voltage-gated channel subfamily D member 3; minus strand). Cytogenetic location: 1p13.2.
Variant type: single nucleotide variant.
Coding change: c.1645C>T on transcript NM_001378969.1 (MANE Select); coding-DNA position 1645, C replaced by T.
Protein change: p.Arg549Cys; replaces arginine 549 with cysteine.
Molecular consequence: missense variant.
Genome position (GRCh38, 1-based): chr1:111,777,147, G>A on the plus strand (C>T on the coding strand, the complement: KCND3 is on the minus strand). VCF-style: chr1-111777147-G-A. GRCh37 (hg19) VCF-style: chr1-112319769-G-A.
Other names: c.1588C>T, p.Arg530Cys (NM_001378970.1, NM_172198.3); c.1645C>T, p.Arg549Cys (NM_004980.5); short protein forms R549C, R530C.
Identifiers: ClinVar variation 519470 (VCV000519470.15), dbSNP rs1294150954, ClinGen allele CA341657095.